The following is an entry in ClinVar:

ClinVar aggregate classification (germline): Pathogenic (1 of 4 stars; one submission).

Conditions:
3-methylcrotonyl-CoA carboxylase 2 deficiency. Also called: METHYLCROTONYLGLYCINURIA, TYPE II; 3 alpha methylcrotonyl-CoA carboxylase 2 deficiency; 3 alpha methylcrotonylglycinuria 2; MCC 2 deficiency; Methylcrotonylglycinuria type 2. Identifiers: Orphanet 6, MedGen C1859499, MONDO:0008862, OMIM 210210.

Submission:

Labcorp Genetics (formerly Invitae), Labcorp
Classification: Pathogenic for 3-methylcrotonyl-CoA carboxylase 2 deficiency. Last evaluated: 2023-11-05. Review status: criteria provided, single submitter. Criteria: Invitae Variant Classification Sherloc (09022015). Collection method: clinical testing. Allele origin: germline.
Comment: This variant is a gross deletion of the genomic region encompassing exon(s) 7-14 of the MCCC2 gene. This deletion is out-of-frame, and is expected to create a premature termination codon and result in an absent or disrupted protein product. Loss-of-function variants in MCCC2 are known to be pathogenic (PMID: 11181649, 22642865). This variant has not been reported in the literature in individuals affected with MCCC2-related conditions. For these reasons, this variant has been classified as Pathogenic.

Literature cited by the submitters: PubMed 11181649; PubMed 22642865.

NC_000005.10:g.(?_71626620)_(71649273_?)del

Gene: MCCC2 (methylcrotonyl-CoA carboxylase subunit 2; plus strand). Cytogenetic location: 5q13.2.
Variant type: Deletion.
Identifiers: ClinVar variation 467801 (VCV000467801.8).